The following is an entry in ClinVar:

NM_015599.3(PGM3):c.1466A>G (p.Lys489Arg)

Genes: DOP1A (DOP1 leucine zipper like protein A; plus strand), PGM3 (phosphoglucomutase 3; minus strand). Cytogenetic location: 6q14.1.
Variant type: single nucleotide variant.
Coding change: c.1466A>G on transcript NM_015599.3 (MANE Select); coding-DNA position 1466, A replaced by G.
Protein change: p.Lys489Arg; replaces lysine 489 with arginine.
Molecular consequence: missense variant. On other transcripts: non-coding transcript variant (1).
Genome position (GRCh38, 1-based): chr6:83,170,378, T>C on the plus strand (A>G on the coding strand, the complement: PGM3 is on the minus strand). VCF-style: chr6-83170378-T-C. GRCh37 (hg19) VCF-style: chr6-83880097-T-C.
Other names: c.1550A>G, p.Lys517Arg (NM_001199917.2, NM_001367287.1); c.1223A>G, p.Lys408Arg (NM_001199918.2); c.1466A>G, p.Lys489Arg (NM_001199919.2); c.1343A>G, p.Lys448Arg (NM_001367286.1); short protein forms K408R, K448R, K489R, K517R.
Identifiers: ClinVar variation 944987 (VCV000944987.8), dbSNP rs369328277, ClinGen allele CA3906512.

ClinVar aggregate classification (germline): Conflicting classifications of pathogenicity. Review status: criteria provided, conflicting classifications (1 of 4 stars). 3 submissions from 3 submitters: Uncertain significance (1); Likely benign (2). Last evaluated 2023-10-30.

Conditions:
Inborn genetic diseases. Identifiers: MedGen C0950123, MeSH D030342.
Immunodeficiency 23 (IMD23). Also called: IMMUNODEFICIENCY WITH HYPER IgE AND COGNITIVE IMPAIRMENT; IMMUNODEFICIENCY-VASCULITIS-MYOCLONUS SYNDROME. Identifiers: Orphanet 443811, MedGen C4014371, MONDO:0014353, OMIM 615816.

Allele frequency attached by ClinVar (database versions not stated): gnomAD exomes 0.00001; ExAC 0.00002; gnomAD 0.00005 and 0.00007; TOPMed 0.00006; ESP Exome Variant Server 0.00008.
gnomAD v4.1: 31 of 1,614,038 alleles (0.0019%); highest among the groups gnomAD compares: Middle Eastern, 0.016%; no homozygotes.

Submissions (3):

Ambry Genetics
Classification: Likely benign for Inborn genetic diseases. Last evaluated: 2023-10-30. Review status: criteria provided, single submitter. Criteria: Ambry Variant Classification Scheme 2023. Collection method: clinical testing. Allele origin: germline.

Blueprint Genetics
Classification: Likely benign. Last evaluated: 2023-03-02. Review status: criteria provided, single submitter. Criteria: ACMG Guidelines, 2015. Collection method: clinical testing. Allele origin: germline.

Labcorp Genetics (formerly Invitae), Labcorp
Classification: Uncertain significance for Immunodeficiency 23. Last evaluated: 2022-07-12. Review status: criteria provided, single submitter. Criteria: Invitae Variant Classification Sherloc (09022015). Collection method: clinical testing. Allele origin: germline.
Comment: This sequence change replaces lysine, which is basic and polar, with arginine, which is basic and polar, at codon 517 of the PGM3 protein (p.Lys517Arg). This variant is present in population databases (rs369328277, gnomAD 0.01%). This variant has not been reported in the literature in individuals affected with PGM3-related conditions. ClinVar contains an entry for this variant (Variation ID: 944987). Algorithms developed to predict the effect of missense changes on protein structure and function output the following: SIFT: "Tolerated"; PolyPhen-2: "Benign"; Align-GVGD: "Class C0". The arginine amino acid residue is found in multiple mammalian species, which suggests that this missense change does not adversely affect protein function. In summary, the available evidence is currently insufficient to determine the role of this variant in disease. Therefore, it has been classified as a Variant of Uncertain Significance.